The following is an entry in ClinVar:

ClinVar aggregate classification (germline): Uncertain significance (1 of 4 stars; one submission).

Allele frequency attached by ClinVar (database versions not stated): TOPMed below 0.00001; gnomAD 0.00001.
gnomAD v4.1: 2 of 1,613,264 alleles (0.00012%); highest among the groups gnomAD compares: Non-Finnish European, 0.00017%; no homozygotes.

Submission:

Labcorp Genetics (formerly Invitae), Labcorp
Classification: Uncertain significance. Last evaluated: 2021-02-23. Review status: criteria provided, single submitter. Criteria: Invitae Variant Classification Sherloc (09022015). Collection method: clinical testing. Allele origin: germline.
Comment: This sequence change replaces proline with leucine at codon 530 of the GPAA1 protein (p.Pro530Leu). The proline residue is highly conserved and there is a moderate physicochemical difference between proline and leucine. This variant is not present in population databases (ExAC no frequency). This variant has not been reported in the literature in individuals with GPAA1-related conditions. Algorithms developed to predict the effect of missense changes on protein structure and function are either unavailable or do not agree on the potential impact of this missense change (SIFT: "Deleterious"; PolyPhen-2: "Probably Damaging"; Align-GVGD: "Class C0"). In summary, the available evidence is currently insufficient to determine the role of this variant in disease. Therefore, it has been classified as a Variant of Uncertain Significance.

NM_003801.4(GPAA1):c.1589C>T (p.Pro530Leu)

Gene: GPAA1 (glycosylphosphatidylinositol anchor attachment 1; plus strand). Cytogenetic location: 8q24.3.
Variant type: single nucleotide variant.
Coding change: c.1589C>T on transcript NM_003801.4 (MANE Select); coding-DNA position 1589, C replaced by T.
Protein change: p.Pro530Leu; replaces proline 530 with leucine.
Molecular consequence: missense variant.
Genome position (GRCh38, 1-based): chr8:144,085,710, C>T. VCF-style: chr8-144085710-C-T. GRCh37 (hg19) VCF-style: chr8-145140613-C-T.
Other names: short protein forms P530L.
Identifiers: ClinVar variation 1353294 (VCV001353294.8), dbSNP rs1414867713, ClinGen allele CA372507109.